The following is an entry in ClinVar:

NM_001958.5(EEF1A2):c.*10G>A

Gene: EEF1A2 (eukaryotic translation elongation factor 1 alpha 2; minus strand). Cytogenetic location: 20q13.33.
Variant type: single nucleotide variant.
Coding change: c.*10G>A on transcript NM_001958.5 (MANE Select); 10 bases downstream of the stop codon, G replaced by A.
Molecular consequence: 3 prime UTR variant.
Genome position (GRCh38, 1-based): chr20:63,488,288, C>T on the plus strand (G>A on the coding strand, the complement: EEF1A2 is on the minus strand). VCF-style: chr20-63488288-C-T. GRCh37 (hg19) VCF-style: chr20-62119641-C-T.
Identifiers: ClinVar variation 3340960 (VCV003340960.1).

ClinVar aggregate classification (germline): Likely benign (1 of 4 stars; one submission).

Submission:

GeneDx
Classification: Likely benign. Last evaluated: 2021-03-30. Review status: criteria provided, single submitter. Criteria: GeneDx Variant Classification Process June 2021. Collection method: clinical testing. Allele origin: germline. Affected: yes.
Comment: See Variant Classification Assertion Criteria.